The following is an entry in ClinVar:

NM_001458.5(FLNC):c.400A>G (p.Ile134Val)

Gene: FLNC (filamin C; plus strand). Cytogenetic location: 7q32.1.
Variant type: single nucleotide variant.
Coding change: c.400A>G on transcript NM_001458.5 (MANE Select); coding-DNA position 400, A replaced by G.
Protein change: p.Ile134Val; replaces isoleucine 134 with valine.
Molecular consequence: missense variant.
Genome position (GRCh38, 1-based): chr7:128,835,373, A>G. VCF-style: chr7-128835373-A-G. GRCh37 (hg19) VCF-style: chr7-128475427-A-G.
Other names: c.400A>G, p.Ile134Val (NM_001127487.2); short protein forms I134V.
Identifiers: ClinVar variation 963690 (VCV000963690.14), dbSNP rs150285287, ClinGen allele CA4474029.
Genomic context (GRCh38, chr7:128,835,373, plus strand): 5'-CTCCCCTCTGCAGACAGCAAGGCCATCGTGGATGGGAACCTGAAGCTGATCCTGGGCCTG[A>G]TCTGGACGCTGATCCTGCACTACTCCATCTCCATGCCCATGTGGGAGGATGAAGATGATG-3'
Protein context (NP_001449.3, residues 124-144): DGNLKLILGL[Ile134Val]WTLILHYSIS

ClinVar aggregate classification (germline): Conflicting classifications of pathogenicity. Review status: criteria provided, conflicting classifications (1 of 4 stars). 3 submissions from 3 submitters: Uncertain significance (2); Likely benign (1). Last evaluated 2026-01-19.

Conditions:
Myofibrillar myopathy 5. Also called: Filaminopathy (type); FILAMINOPATHY, AUTOSOMAL DOMINANT. Identifiers: Orphanet 171445, MedGen C1836050, MONDO:0012289, OMIM 609524.
Distal myopathy with posterior leg and anterior hand involvement. Also called: WILLIAMS DISTAL MYOPATHY. Identifiers: Orphanet 63273, MedGen C3279722, MONDO:0013550, OMIM 614065.
Hypertrophic cardiomyopathy 26. Also called: Cardiomyopathy, familial hypertrophic, 26. Identifiers: Orphanet 75249, MedGen C4310749, MONDO:0014883, OMIM 617047.
Cardiovascular phenotype. Identifiers: MedGen CN230736.

Allele frequency attached by ClinVar (database versions not stated): 1000 Genomes Project below 0.00001; gnomAD exomes below 0.00001 and 0.00001; ExAC 0.00002; gnomAD 0.00002 and 0.00003; TOPMed 0.00003; ESP Exome Variant Server 0.00008.
gnomAD v4.1: 11 of 1,614,030 alleles (0.00068%); highest among the groups gnomAD compares: African/African-American, 0.012%; no homozygotes.

Submissions (3):

Labcorp Genetics (formerly Invitae), Labcorp
Classification: Likely benign for Distal myopathy with posterior leg and anterior hand involvement; Myofibrillar myopathy 5; Hypertrophic cardiomyopathy 26. Last evaluated: 2026-01-19. Review status: criteria provided, single submitter. Criteria: Invitae Variant Classification Sherloc (09022015). Collection method: clinical testing. Allele origin: germline.

Ambry Genetics
Classification: Uncertain significance for Cardiovascular phenotype. Last evaluated: 2024-08-11. Review status: criteria provided, single submitter. Criteria: Ambry Variant Classification Scheme 2023. Collection method: clinical testing. Allele origin: germline.
Comment: The p.I134V variant (also known as c.400A>G), located in coding exon 2 of the FLNC gene, results from an A to G substitution at nucleotide position 400. The isoleucine at codon 134 is replaced by valine, an amino acid with highly similar properties. This amino acid position is conserved. In addition, this alteration is predicted to be tolerated by in silico analysis. Since supporting evidence is limited at this time, the clinical significance of this alteration remains unclear.

Revvity Omics, Revvity
Classification: Uncertain significance. Last evaluated: 2024-01-24. Review status: criteria provided, single submitter. Criteria: ACMG Guidelines, 2015. Collection method: clinical testing. Allele origin: germline.